The following is an entry in ClinVar:

NM_007294.4(BRCA1):c.1977_1978del (p.Val660fs)

Gene: BRCA1 (BRCA1 DNA repair associated; minus strand). Cytogenetic location: 17q21.31.
Variant type: Deletion.
Coding change: c.1977_1978del on transcript NM_007294.4 (MANE Select); coding-DNA positions 1977 to 1978, 2 bases deleted (AG; older notation c.1977_1978delAG).
Protein change: p.Val660fs; shifts the reading frame from valine 660.
Molecular consequence: frameshift variant. On other transcripts: intron variant (137).
Genome position (GRCh38, 1-based): chr17:43,093,553-43,093,554, CT deleted on the plus strand (AG on the coding strand, the reverse complement: BRCA1 is on the minus strand). VCF-style (leftmost placement, unchanged base first): chr17-43093552-ACT-A. GRCh37 (hg19) VCF-style: chr17-41245569-ACT-A.
Other names: c.1764_1765del, p.Val589fs (NM_001407571.1, NM_001407853.1, NM_001407894.1 and 9 more transcripts); c.1977_1978del, p.Val660fs (NM_001407581.1, NM_001407582.1, NM_001407583.1 and 30 more transcripts); c.1974_1975del, p.Val659fs (NM_001407587.1, NM_001407590.1, NM_001407591.1 and 22 more transcripts); c.1851_1852del, p.Val618fs (NM_001407649.1, NM_001407670.1, NM_001407671.1 and 11 more transcripts); c.1899_1900del, p.Val634fs (NM_001407653.1, NM_001407654.1, NM_001407655.1 and 4 more transcripts); c.1854_1855del, p.Val619fs (NM_001407669.1, NM_001407674.1, NM_001407675.1 and 19 more transcripts); c.1836_1837del, p.Val613fs (NM_001407692.1, NM_001407694.1, NM_001407695.1 and 29 more transcripts); c.1833_1834del, p.Val612fs (NM_001407749.1, NM_001407838.1, NM_001407839.1 and 20 more transcripts); and 40 more; short protein forms V660fs, V613fs, V571fs, V592fs, V593fs, V657fs, V532fs, V572fs.
Identifiers: ClinVar variation 254402 (VCV000254402.3), dbSNP rs773413634, ClinGen allele CA057671.

ClinVar aggregate classification (germline): Pathogenic (3 of 4 stars; one submission).

Conditions:
Breast-ovarian cancer, familial, susceptibility to, 1 (BROVCA1). Also called: BRCA1 Hereditary Breast and Ovarian Cancer; OVARIAN CANCER, SUSCEPTIBILITY TO. Identifiers: Orphanet 145, MedGen C2676676, MONDO:0011450, OMIM 604370. Disease mechanism: loss of function.

Allele frequency attached by ClinVar (database versions not stated): gnomAD exomes below 0.00001; ExAC 0.00001.

Submission:

Evidence-based Network for the Interpretation of Germline Mutant Alleles (ENIGMA)
Classification: Pathogenic for Breast-ovarian cancer, familial, susceptibility to, 1. Last evaluated: 2016-09-08. Review status: reviewed by expert panel. Criteria: ENIGMA BRCA1/2 Classification Criteria (2015). Collection method: curation. Allele origin: germline.
Comment: Variant allele predicted to encode a truncated non-functional protein.